The following is an entry in ClinVar:

NM_172107.4(KCNQ2):c.698T>A (p.Val233Asp)

Gene: KCNQ2 (potassium voltage-gated channel subfamily Q member 2; minus strand). Cytogenetic location: 20q13.33.
Variant type: single nucleotide variant.
Coding change: c.698T>A on transcript NM_172107.4 (MANE Select); coding-DNA position 698, T replaced by A.
Protein change: p.Val233Asp; replaces valine 233 with aspartic acid.
Molecular consequence: missense variant.
Genome position (GRCh38, 1-based): chr20:63,442,524, A>T on the plus strand (T>A on the coding strand, the complement: KCNQ2 is on the minus strand). VCF-style: chr20-63442524-A-T. GRCh37 (hg19) VCF-style: chr20-62073877-A-T.
Other names: c.698T>A, p.Val233Asp (NM_001382235.1, NM_004518.6, NM_172106.3 and 2 more transcripts); short protein forms V233D.
Identifiers: ClinVar variation 1718144 (VCV001718144.5), dbSNP rs2516448357, ClinGen allele CA409654088.

ClinVar aggregate classification (germline): Uncertain significance (1 of 4 stars; one submission).

Conditions:
Early-infantile DEE. Also called: Early infantile epileptic encephalopathy with suppression bursts; Early infantile epileptic encephalopathy; Ohtahara syndrome. Identifiers: Orphanet 1934, MedGen C0393706, MONDO:0800491.

Submission:

Labcorp Genetics (formerly Invitae), Labcorp
Classification: Uncertain significance for Early-infantile DEE. Last evaluated: 2022-09-09. Review status: criteria provided, single submitter. Criteria: Invitae Variant Classification Sherloc (09022015). Collection method: clinical testing. Allele origin: germline.
Comment: This variant has not been reported in the literature in individuals affected with KCNQ2-related conditions. This variant is not present in population databases (gnomAD no frequency). This sequence change replaces valine, which is neutral and non-polar, with aspartic acid, which is acidic and polar, at codon 233 of the KCNQ2 protein (p.Val233Asp). Advanced modeling of protein sequence and biophysical properties (such as structural, functional, and spatial information, amino acid conservation, physicochemical variation, residue mobility, and thermodynamic stability) performed at Invitae indicates that this missense variant is expected to disrupt KCNQ2 protein function. In summary, the available evidence is currently insufficient to determine the role of this variant in disease. Therefore, it has been classified as a Variant of Uncertain Significance.